The following is an entry in ClinVar:

NC_000023.11:g.(?_32452609)_(32699303_?)del

Gene: DMD (dystrophin; minus strand). Cytogenetic location: Xp21.1.
Variant type: Deletion.
Identifiers: ClinVar variation 832095 (VCV000832095.6).

ClinVar aggregate classification (germline): Pathogenic (1 of 4 stars; one submission).

Conditions:
Duchenne muscular dystrophy (DMD). Also called: Duchenne Muscular Dystrophy (DMD); MUSCULAR DYSTROPHY, PSEUDOHYPERTROPHIC PROGRESSIVE, DUCHENNE TYPE. Identifiers: Orphanet 98896, MedGen C0013264, MONDO:0010679, OMIM 310200.

Submission:

Labcorp Genetics (formerly Invitae), Labcorp
Classification: Pathogenic for Duchenne muscular dystrophy. Last evaluated: 2019-02-18. Review status: criteria provided, single submitter. Criteria: Invitae Variant Classification Sherloc (09022015). Collection method: clinical testing. Allele origin: germline.
Comment: For these reasons, this variant has been classified as Pathogenic. Loss-of-function variants in DMD are known to be pathogenic (PMID: 16770791, 25007885). This variant has not been reported in the literature in individuals with DMD-related conditions. This variant is an out-of-frame deletion of the genomic region encompassing exons 8-26 of the DMD gene. This is expected to create a premature translational stop signal and result in an absent or disrupted protein product.

Literature cited by the submitters: PubMed 16770791; PubMed 25007885.